The following is an entry in ClinVar:

ClinVar aggregate classification (germline): Uncertain significance (1 of 4 stars; one submission).

gnomAD v4.1: 6 of 1,613,868 alleles (0.00037%); highest among the groups gnomAD compares: Non-Finnish European, 0.00051%; no homozygotes.

Submission:

Labcorp Genetics (formerly Invitae), Labcorp
Classification: Uncertain significance. Last evaluated: 2021-08-31. Review status: criteria provided, single submitter. Criteria: Invitae Variant Classification Sherloc (09022015). Collection method: clinical testing. Allele origin: germline.
Comment: This sequence change replaces arginine with proline at codon 55 of the TYRP1 protein (p.Arg55Pro). The arginine residue is weakly conserved and there is a moderate physicochemical difference between arginine and proline. This variant is not present in population databases (ExAC no frequency). This variant has not been reported in the literature in individuals affected with TYRP1-related conditions. Algorithms developed to predict the effect of missense changes on protein structure and function output the following: SIFT: "Tolerated"; PolyPhen-2: "Benign"; Align-GVGD: "Class C0". The proline amino acid residue is found in multiple mammalian species, which suggests that this missense change does not adversely affect protein function. In summary, the available evidence is currently insufficient to determine the role of this variant in disease. Therefore, it has been classified as a Variant of Uncertain Significance.

NM_000550.3(TYRP1):c.164G>C (p.Arg55Pro)

Gene: TYRP1 (tyrosinase related protein 1; plus strand). Cytogenetic location: 9p23.
Variant type: single nucleotide variant.
Coding change: c.164G>C on transcript NM_000550.3 (MANE Select); coding-DNA position 164, G replaced by C.
Protein change: p.Arg55Pro; replaces arginine 55 with proline.
Molecular consequence: missense variant.
Genome position (GRCh38, 1-based): chr9:12,694,160, G>C. VCF-style: chr9-12694160-G-C. GRCh37 (hg19) VCF-style: chr9-12694160-G-C.
Other names: short protein forms R55P.
Identifiers: ClinVar variation 1479005 (VCV001479005.5), dbSNP rs139670838, ClinGen allele CA372936335.
Genomic context (GRCh38, chr9:12,694,160, plus strand): 5'-CTTTGAGAAGTGGTATGTGTTGCCCAGACCTGTCCCCTGTGTCTGGGCCTGGGACAGACC[G>C]CTGTGGCTCATCATCAGGGAGGGGCAGATGTGAGGCAGTGACTGCAGACTCCCGGCCCCA-3'
Protein context (NP_000541.1, residues 45-65): LSPVSGPGTD[Arg55Pro]CGSSSGRGRC